The following is an entry in ClinVar:

NM_007103.4(NDUFV1):c.736G>A (p.Glu246Lys)

Gene: NDUFV1 (NADH:ubiquinone oxidoreductase core subunit V1; plus strand). Cytogenetic location: 11q13.2.
Variant type: single nucleotide variant.
Coding change: c.736G>A on transcript NM_007103.4 (MANE Select); coding-DNA position 736, G replaced by A.
Protein change: p.Glu246Lys; replaces glutamic acid 246 with lysine.
Molecular consequence: missense variant.
Genome position (GRCh38, 1-based): chr11:67,611,030, G>A. VCF-style: chr11-67611030-G-A. GRCh37 (hg19) VCF-style: chr11-67378501-G-A.
Other names: c.709G>A, p.Glu237Lys (NM_001166102.2); short protein forms E237K, E246K.
Identifiers: ClinVar variation 1806668 (VCV001806668.12), dbSNP rs375897089, ClinGen allele CA224180719.

ClinVar aggregate classification (germline): Conflicting classifications of pathogenicity. Review status: criteria provided, conflicting classifications (1 of 4 stars). 9 submissions from 9 submitters: Pathogenic (1); Likely pathogenic (7); Uncertain significance (1). Last evaluated 2026-07-24.

Conditions:
Leigh syndrome (NULS). Also called: Leigh's syndrome; Leigh Disease; Subacute necrotizing encephalopathy; Necrotizing encephalopathy infantile subacute of Leigh; LEIGH SYNDROME, NUCLEAR; Leigh's necrotizing encephalopathy. Identifiers: Orphanet 506, MedGen C2931891, MONDO:0009723, OMIM 256000.
NDUFV1-related disorder. Also called: NDUFV1-related condition; NDUFV1-related disorders.
Mitochondrial complex I deficiency, nuclear type 4. Also called: Mitochondrial complex 1 deficiency, nuclear type 4. Identifiers: MedGen C4748753, MONDO:0032609, OMIM 618225.

Allele frequency attached by ClinVar (database versions not stated): TOPMed 0.00001; gnomAD 0.00002; ESP Exome Variant Server 0.00008.

Submissions (9):

GeneDx
Classification: Pathogenic. Last evaluated: 2026-07-24. Review status: criteria provided, single submitter. Criteria: GeneDx Variant Classification Process June 2021. Collection method: clinical testing. Allele origin: germline.
Comment: Published functional studies demonstrate a damaging effect on mitochondrial complex I expression (PMID: 26345448); Not observed at significant frequency in large population cohorts (gnomAD); In silico analysis supports that this missense variant has a deleterious effect on protein structure/function; This variant is associated with the following publications: (PMID: 26345448, 23631824, 38960077, 25473036)

First Genomix Gene Laboratory, Genetic Diagnostics Department
Classification: Likely pathogenic for Mitochondrial complex I deficiency, nuclear type 4. Last evaluated: 2025-05-23. Review status: criteria provided, single submitter. Criteria: ACMG Guidelines, 2015. Collection method: clinical testing. Allele origin: germline. Inheritance: Autosomal recessive inheritance. Affected: no. Observed: 1 variant allele.

Fulgent Genetics
Classification: Likely pathogenic for Mitochondrial complex I deficiency, nuclear type 4. Last evaluated: 2024-05-04. Review status: criteria provided, single submitter. Criteria: ACMG Guidelines, 2015. Collection method: clinical testing. Allele origin: germline.

Women's Health and Genetics/Laboratory Corporation of America, LabCorp
Classification: Likely pathogenic for Leigh syndrome. Last evaluated: 2024-04-29. Review status: criteria provided, single submitter. Criteria: LabCorp Variant Classification Summary - May 2015. Collection method: clinical testing. Allele origin: germline.
Comment: Variant summary: NDUFV1 c.736G>A (p.Glu246Lys) results in a conservative amino acid change located in the NADH-ubiquinone oxidoreductase 51kDa subunit, FMN-binding domain (IPR011538) of the encoded protein sequence. Four of five in-silico tools predict a damaging effect of the variant on protein function. The variant was absent in 251468 control chromosomes. c.736G>A has been reported in the literature in the compound heterozygous state in two siblings affected with Leigh Syndrome (example: Dinwiddie_2013). These data indicate that the variant may be associated with disease. At least one publication reports experimental evidence this variant affects NDUFV1 function (Varghese_2015). The following publications have been ascertained in the context of this evaluation (PMID: 26345448, 23631824, 25473036). ClinVar contains an entry for this variant (Variation ID: 1806668). Based on the evidence outlined above, the variant was classified as likely pathogenic.

Labcorp Genetics (formerly Invitae), Labcorp
Classification: Likely pathogenic. Last evaluated: 2024-02-27. Review status: criteria provided, single submitter. Criteria: Invitae Variant Classification Sherloc (09022015). Collection method: clinical testing. Allele origin: germline.
Comment: This sequence change replaces glutamic acid, which is acidic and polar, with lysine, which is basic and polar, at codon 246 of the NDUFV1 protein (p.Glu246Lys). This variant is present in population databases (rs375897089, gnomAD 0.007%). This missense change has been observed in individual(s) with NDUFV1-related conditions (PMID: 23631824). In at least one individual the data is consistent with being in trans (on the opposite chromosome) from a pathogenic variant. It has also been observed to segregate with disease in related individuals. ClinVar contains an entry for this variant (Variation ID: 1806668). Advanced modeling of protein sequence and biophysical properties (such as structural, functional, and spatial information, amino acid conservation, physicochemical variation, residue mobility, and thermodynamic stability) performed at Invitae indicates that this missense variant is expected to disrupt NDUFV1 protein function with a positive predictive value of 80%. Experimental studies have shown that this missense change affects NDUFV1 function (PMID: 26345448). In summary, the currently available evidence indicates that the variant is pathogenic, but additional data are needed to prove that conclusively. Therefore, this variant has been classified as Likely Pathogenic.

Department of Pathology and Laboratory Medicine, Sinai Health System
Classification: Likely pathogenic for Mitochondrial complex I deficiency, nuclear type 4. Last evaluated: 2023-09-25. Review status: criteria provided, single submitter. Criteria: ACMG Guidelines, 2015. Collection method: research. Allele origin: germline.

Blueprint Genetics
Classification: Likely pathogenic for NDUFV1-related disorders. Last evaluated: 2023-06-01. Review status: criteria provided, single submitter. Criteria: ACMG Guidelines, 2015. Collection method: clinical testing. Allele origin: germline. Affected: yes. Observed: 1 variant allele.

Juno Genomics, Hangzhou Juno Genomics, Inc
Classification: Likely pathogenic for Mitochondrial complex I deficiency, nuclear type 4. Review status: criteria provided, single submitter. Criteria: ACMG Guidelines, 2015. Collection method: clinical testing. Allele origin: germline.
Comment: Absent from controls (or at extremely low frequency if recessive) in Genome Aggregation Database.;For recessive disorders, detected in trans with a pathogenic variant.;Co-segregation with disease in multiple affected family members.;Patient's phenotype or family history is highly specific for a disease with a single genetic etiology.;Well-established in vitro or in vivo functional studies supportive of a damaging effect on the gene or gene product.

Neuberg Centre For Genomic Medicine, NCGM
Classification: Uncertain significance for Mitochondrial complex I deficiency, nuclear type 4. Review status: criteria provided, single submitter. Criteria: ACMG Guidelines, 2015. Collection method: clinical testing. Allele origin: germline. Inheritance: Autosomal recessive inheritance. Affected: yes.
Comment: The missense variant in c.736G>A (p.Glu246Lys) in NDUFV1 gene has not been reported previously as a pathogenic variant nor as a benign variant, to our knowledge. The p.Glu246Lys variant is novel (not in any individuals) in gnomAD Exomes and 1000 Genomes. The amino acid Glu at position 246 is changed to a Lys changing protein sequence and it might alter its composition and physico-chemical properties. The amino acid change p.Glu246Lys in NDUFV1 is predicted as conserved by GERP++ and PhyloP across 100 vertebrates. For these reasons, this variant has been classified as Uncertain significance .

Literature cited by the submitters: PubMed 23631824 (cited by Women's Health and Genetics/Laboratory Corporation of America, LabCorp and Labcorp Genetics (formerly Invitae), Labcorp); PubMed 26345448 (cited by Women's Health and Genetics/Laboratory Corporation of America, LabCorp and Labcorp Genetics (formerly Invitae), Labcorp); PubMed 25473036 (cited by Women's Health and Genetics/Laboratory Corporation of America, LabCorp).